The following is an entry in ClinVar:

ClinVar aggregate classification (germline): Pathogenic (1 of 4 stars; one submission).

Conditions:
Acute infantile liver failure due to synthesis defect of mtDNA-encoded proteins. Also called: Liver failure acute infantile; LIVER FAILURE, INFANTILE, TRANSIENT; TRMU Deficiency. Identifiers: Orphanet 217371, MedGen C3278664, MONDO:0013111, OMIM 613070.

Submission:

Myriad Genetics, Inc.
Classification: Pathogenic for Acute infantile liver failure due to synthesis defect of mtDNA-encoded proteins. Last evaluated: 2025-07-29. Review status: criteria provided, single submitter. Criteria: Myriad Autosomal Dominant, Autosomal Recessive and X-Linked Classification Criteria (2023). Collection method: clinical testing. Allele origin: unknown.
Comment: NM_018006.4(TRMU):c.755_761del7(V252Efs*17) is expected to be pathogenic in the context of acute liver failure, TRMU-related. This variant is predicted to lead to an abnormal or absent protein product due to the creation of a premature termination codon in TRMU, a gene where loss-of-function variants are known to be pathogenic. Please note: this variant was assessed in the context of healthy population screening.

NM_018006.5(TRMU):c.755_761del (p.Val252fs)

Gene: TRMU (tRNA mitochondrial 2-thiouridylase; plus strand). Cytogenetic location: 22q13.31.
Variant type: Deletion.
Coding change: c.755_761del on transcript NM_018006.5 (MANE Select); coding-DNA positions 755 to 761, 7 bases deleted (TTCTGGG; older notation c.755_761delTTCTGGG).
Protein change: p.Val252fs; shifts the reading frame from valine 252.
Molecular consequence: frameshift variant. On other transcripts: non-coding transcript variant (2).
Genome position (GRCh38, 1-based): chr22:46,352,313-46,352,319, TTCTGGG deleted; deleting any 7 consecutive bases within chr22:46,352,311-46,352,319 gives the same sequence; the c. name uses the placement nearest the transcript's 3' end. VCF-style (leftmost placement, unchanged base first): chr22-46352310-AGGTTCTG-A. GRCh37 (hg19) VCF-style: chr22-46748207-AGGTTCTG-A.
Other names: c.413_419del, p.Val138fs (NM_001282782.2); c.335_341del, p.Val112fs (NM_001282783.2, NM_001282784.2); c.755_761del, p.Val252fs (NM_001282785.2); short protein forms V112fs, V138fs, V252fs.
Identifiers: ClinVar variation 5014788 (VCV005014788.1).